The following is an entry in ClinVar:

ClinVar aggregate classification (germline): Uncertain significance. Review status: criteria provided, multiple submitters, no conflicts (2 of 4 stars). 5 submissions from 5 submitters: Uncertain significance (5). Last evaluated 2025-11-19.

Conditions:
Colorectal cancer. Also called: Colorectal cancer, somatic; Malignant Colorectal Neoplasm. Identifiers: MedGen C0346629, MONDO:0005575, OMIM 114500.
Cardiofaciocutaneous syndrome 1 (CFC1). Also called: BRAF-Related Cardiofaciocutaneous Syndrome. Identifiers: Orphanet 1340, MedGen CN029449, MONDO:0007265, OMIM 115150. Disease mechanism: gain of function.
LEOPARD syndrome 3 (LPRD3). Identifiers: Orphanet 500, MedGen C3150971, MONDO:0013380, OMIM 613707.
Noonan syndrome 7 (NS7). Also called: BRAF-Related Noonan Syndrome. Identifiers: Orphanet 648, MedGen C3150970, MONDO:0013379, OMIM 613706.
Melanoma, cutaneous malignant, susceptibility to, 1 (CMM1). Also called: MELANOMA, MALIGNANT; B-K MOLE SYNDROME; DYSPLASTIC NEVUS SYNDROME, HEREDITARY; FAMILIAL ATYPICAL MOLE-MALIGNANT MELANOMA SYNDROME. Identifiers: Orphanet 618, MedGen C1835047, MONDO:0007963, OMIM 155600.
Lung cancer. Also called: Lung cancer, somatic; Malignant tumor of lung. Identifiers: MedGen C0242379, MONDO:0008903, OMIM 211980.
RASopathy. Also called: rasopathies; Noonan spectrum disorder. Identifiers: Orphanet 536391, MedGen C5555857, MONDO:0021060.

Allele frequency attached by ClinVar (database versions not stated): gnomAD exomes below 0.00001 and 0.00001; TOPMed 0.00001; ExAC 0.00002; ESP Exome Variant Server 0.00008.
gnomAD v4.1: 4 of 1,613,932 alleles (0.00025%); highest among the groups gnomAD compares: East Asian, 0.0022%; no homozygotes.

Submissions (5):

Labcorp Genetics (formerly Invitae), Labcorp
Classification: Uncertain significance for RASopathy. Last evaluated: 2025-11-19. Review status: criteria provided, single submitter. Criteria: Invitae Variant Classification Sherloc (09022015). Collection method: clinical testing. Allele origin: germline.
Comment: This sequence change replaces valine, which is neutral and non-polar, with methionine, which is neutral and non-polar, at codon 413 of the BRAF protein (p.Val413Met). This variant is present in population databases (rs377093637, gnomAD 0.003%). This variant has not been reported in the literature in individuals affected with BRAF-related conditions. ClinVar contains an entry for this variant (Variation ID: 44799). Invitae Evidence Modeling of protein sequence and biophysical properties (such as structural, functional, and spatial information, amino acid conservation, physicochemical variation, residue mobility, and thermodynamic stability) has been performed for this missense variant. However, the output from this modeling did not meet the statistical confidence thresholds required to predict the impact of this variant on BRAF protein function. In summary, the available evidence is currently insufficient to determine the role of this variant in disease. Therefore, it has been classified as a Variant of Uncertain Significance.

Fulgent Genetics
Classification: Uncertain significance for Colorectal cancer; Cardiofaciocutaneous syndrome 1; Melanoma, cutaneous malignant, susceptibility to, 1; Lung cancer; Noonan syndrome 7; LEOPARD syndrome 3. Last evaluated: 2024-02-16. Review status: criteria provided, single submitter. Criteria: ACMG Guidelines, 2015. Collection method: clinical testing. Allele origin: germline.

Blueprint Genetics
Classification: Uncertain significance. Last evaluated: 2021-12-13. Review status: criteria provided, single submitter. Criteria: ACMG Guidelines, 2015. Collection method: clinical testing. Allele origin: germline.

Illumina Laboratory Services, Illumina
Classification: Uncertain significance for Noonan syndrome 7. Last evaluated: 2019-02-14. Review status: criteria provided, single submitter. Criteria: ICSLVariantClassificationCriteria RUGD 01 April 2020. Collection method: clinical testing. Allele origin: unknown.
Comment: The BRAF c.1237G>A (p.Val413Met) variant is a missense variant. A literature search was performed for the gene, cDNA change, and amino acid change. No publications were found based on this search. This variant is found at a frequency of 0.000033 in the South Asian population of the Genome Aggregation Database, but this is based on one allele only in a region of good sequence coverage so the variant is presumed to be rare. Based on the limited evidence, the p.Val413Met variant is classified as a variant of uncertain significance for Noonan syndrome.

Laboratory for Molecular Medicine, Mass General Brigham Personalized Medicine
Classification: Uncertain significance. Last evaluated: 2011-10-20. Review status: criteria provided, single submitter. Criteria: LMM Criteria. Collection method: clinical testing. Allele origin: germline. Inheritance: Autosomal dominant inheritance. Observed: 1 variant allele.
Comment: The Val413Met variant has not been reported in the literature nor identified by our laboratory in over 1,300 individuals. Valine (Val) at position 413 is highly conserved across evolutionarily distant species, suggesting that a change to th e amino acid may not be tolerated. Computational analyses (PolyPhen2, SIFT, Ali gnGVGD) do not provide strong support for or against pathogenicity; however, the accuracy of these tools is unknown. In the absence of additional information, s uch as control studies, segregation data, or functional analyses, the clinical s ignificance of this variant cannot be determined at this time.

NM_004333.6(BRAF):c.1237G>A (p.Val413Met)

Gene: BRAF (B-Raf proto-oncogene, serine/threonine kinase; minus strand). Cytogenetic location: 7q34.
Variant type: single nucleotide variant.
Coding change: c.1237G>A on transcript NM_004333.6 (MANE Select); coding-DNA position 1237, G replaced by A.
Protein change: p.Val413Met; replaces valine 413 with methionine.
Molecular consequence: missense variant. On other transcripts: intron variant (2).
Genome position (GRCh38, 1-based): chr7:140,783,098, C>T on the plus strand (G>A on the coding strand, the complement: BRAF is on the minus strand). VCF-style: chr7-140783098-C-T. GRCh37 (hg19) VCF-style: chr7-140482898-C-T.
Other names: c.1237G>A, p.Val413Met (NM_001354609.2, NM_001378468.1, NM_001378474.1); c.1357G>A, p.Val453Met (NM_001374244.1, NM_001374258.1); c.1246G>A, p.Val416Met (NM_001378467.1); c.1135G>A, p.Val379Met (NM_001378470.1); c.1081G>A, p.Val361Met (NM_001378472.1, NM_001378473.1); c.973G>A, p.Val325Met (NM_001378475.1); c.1141-15G>A (NM_001378471.1); c.1178-7G>A (NM_001378469.1); short protein forms V413M, V325M, V453M, V379M, V361M, V416M.
Identifiers: ClinVar variation 44799 (VCV000044799.17), dbSNP rs377093637, ClinGen allele CA135064.